The following is an entry in ClinVar:

NM_001083962.2(TCF4):c.1265T>C (p.Ile422Thr)

Gene: TCF4 (transcription factor 4; minus strand). Cytogenetic location: 18q21.2.
Variant type: single nucleotide variant.
Coding change: c.1265T>C on transcript NM_001083962.2 (MANE Select); coding-DNA position 1265, T replaced by C.
Protein change: p.Ile422Thr; replaces isoleucine 422 with threonine.
Molecular consequence: missense variant.
Genome position (GRCh38, 1-based): chr18:55,254,582, A>G on the plus strand (T>C on the coding strand, the complement: TCF4 is on the minus strand). VCF-style: chr18-55254582-A-G. GRCh37 (hg19) VCF-style: chr18-52921813-A-G.
Other names: c.1571T>C, p.Ile524Thr (NM_001243226.3); c.1193T>C, p.Ile398Thr (NM_001243227.2, NM_001306207.1, NM_001348217.1 and 5 more transcripts); c.1283T>C, p.Ile428Thr (NM_001243228.2); c.1256T>C, p.Ile419Thr (NM_001243230.2); c.1139T>C, p.Ile380Thr (NM_001243231.2, NM_001348211.2); c.1052T>C, p.Ile351Thr (NM_001243232.1, NM_001306208.1); c.875T>C, p.Ile292Thr (NM_001243233.2, NM_001330605.3, NM_001348212.2 and 1 more transcripts); c.785T>C, p.Ile262Thr (NM_001243234.2, NM_001243235.2, NM_001243236.2 and 1 more transcripts); and 6 more; short protein forms I422T, I262T, I292T, I398T, I421T, I206T, I428T, I524T.
Identifiers: ClinVar variation 452976 (VCV000452976.3), dbSNP rs1555764219, ClinGen allele CA402533473.

ClinVar aggregate classification (germline): Likely benign (1 of 4 stars; one submission).

Allele frequency attached by ClinVar (database versions not stated): gnomAD exomes below 0.00001.
gnomAD v4.1: 2 of 1,613,782 alleles (0.00012%); highest among the groups gnomAD compares: East Asian, 0.0022%; no homozygotes.

Submission:

GeneDx
Classification: Likely benign. Last evaluated: 2019-10-07. Review status: criteria provided, single submitter. Criteria: GeneDx Variant Classification Process June 2021. Collection method: clinical testing. Allele origin: germline. Affected: yes.
Comment: Has not been previously published as pathogenic or benign to our knowledge Not observed in large population cohorts (Lek et al., 2016) In silico analysis, which includes protein predictors and evolutionary conservation, supports a deleterious effect